The following is an entry in ClinVar:

NM_000875.5(IGF1R):c.*134C>T

Gene: IGF1R (insulin like growth factor 1 receptor; plus strand). Cytogenetic location: 15q26.3.
Variant type: single nucleotide variant.
Coding change: c.*134C>T on transcript NM_000875.5 (MANE Select); 134 bases downstream of the stop codon, C replaced by T.
Molecular consequence: 3 prime UTR variant.
Genome position (GRCh38, 1-based): chr15:98,957,576, C>T. VCF-style: chr15-98957576-C-T. GRCh37 (hg19) VCF-style: chr15-99500805-C-T.
Other names: c.*134C>T (NM_001291858.2).
Identifiers: ClinVar variation 317472 (VCV000317472.6), dbSNP rs55945252, ClinGen allele CA10646736.

ClinVar aggregate classification (germline): Likely benign. Review status: criteria provided, multiple submitters, no conflicts (2 of 4 stars). 2 submissions from 2 submitters: Likely benign (2). Last evaluated 2018-01-12.

Conditions:
Growth delay due to insulin-like growth factor I resistance. Also called: Somatomedin end-organ insensitivity to; Somatomedin-c resistance to; IGF-1 resistance; IGF-I RESISTANCE; Insulin-Like Growth Factor I Resistance. Identifiers: Orphanet 73273, MedGen C1849157, MONDO:0010038, OMIM 270450.

Allele frequency attached by ClinVar (database versions not stated): 1000 Genomes Project 30x 0.00578; 1000 Genomes Project 0.00579; TOPMed 0.01067; gnomAD 0.01143 and 0.01175.
gnomAD v4.1: 15,653 of 1,105,358 alleles (1.4%); highest among the groups gnomAD compares: Non-Finnish European, 1.7%; 139 homozygotes.

Submissions (2):

Illumina Laboratory Services, Illumina
Classification: Likely benign for Growth delay due to insulin-like growth factor I resistance. Last evaluated: 2018-01-12. Review status: criteria provided, single submitter. Criteria: ICSL Variant Classification Criteria 13 December 2019. Collection method: clinical testing. Allele origin: germline.
Comment: This variant was observed in the ICSL laboratory as part of a predisposition screen in an ostensibly healthy population. It had not been previously curated by ICSL or reported in the Human Gene Mutation Database (HGMD: prior to June 1st, 2018), and was therefore a candidate for classification through an automated scoring system. Utilizing variant allele frequency, disease prevalence and penetrance estimates, and inheritance mode, an automated score was calculated to assess if this variant is too frequent to cause the disease. Based on the score and internal cut-off values, a variant classified as likely benign is not then subjected to further curation. The score for this variant resulted in a classification of likely benign for this disease.

Breakthrough Genomics
Classification: Likely benign. Review status: criteria provided, single submitter. Criteria: ACMG Guidelines, 2015. Collection method: not provided. Allele origin: germline. Inheritance: Autosomal dominant inheritance. Affected: yes.